The following is an entry in ClinVar:

ClinVar aggregate classification (germline): Uncertain significance. Review status: criteria provided, multiple submitters, no conflicts (2 of 4 stars). 3 submissions from 3 submitters: Uncertain significance (3). Last evaluated 2025-11-03.

Conditions:
Developmental and epileptic encephalopathy, 27 (DEE27). Also called: Epileptic encephalopathy, early infantile, 27; GRIN2B-Related Neurodevelopmental Disorder. Identifiers: Orphanet 3451, MedGen C4015316, MONDO:0014505, OMIM 616139.
Intellectual developmental disorder, autosomal dominant 6, with or without seizures. Also called: Intellectual disability, autosomal dominant 6; GRIN2B-related developmental delay, intellectual disability and autism spectrum disorder. Identifiers: Orphanet 589547, MedGen C3151411, MONDO:0013509, OMIM 613970.

Allele frequency attached by ClinVar (database versions not stated): TOPMed 0.00002; gnomAD exomes below 0.00001.
gnomAD v4.1: 1 of 1,613,916 alleles (0.000062%); highest among the groups gnomAD compares: Non-Finnish European, 0.000085%; no homozygotes.

Submissions (3):

Labcorp Genetics (formerly Invitae), Labcorp
Classification: Uncertain significance for Developmental and epileptic encephalopathy, 27; Intellectual developmental disorder, autosomal dominant 6, with or without seizures. Last evaluated: 2025-11-03. Review status: criteria provided, single submitter. Criteria: Invitae Variant Classification Sherloc (09022015). Collection method: clinical testing. Allele origin: germline.
Comment: This sequence change replaces arginine, which is basic and polar, with histidine, which is basic and polar, at codon 880 of the GRIN2B protein (p.Arg880His). This variant is not present in population databases (gnomAD no frequency). This variant has not been reported in the literature in individuals affected with GRIN2B-related conditions. ClinVar contains an entry for this variant (Variation ID: 983359). Invitae Evidence Modeling of protein sequence and biophysical properties (such as structural, functional, and spatial information, amino acid conservation, physicochemical variation, residue mobility, and thermodynamic stability) indicates that this missense variant is not expected to disrupt GRIN2B protein function with a negative predictive value of 95%. In summary, the available evidence is currently insufficient to determine the role of this variant in disease. Therefore, it has been classified as a Variant of Uncertain Significance.

GeneDx
Classification: Uncertain significance. Last evaluated: 2023-03-16. Review status: criteria provided, single submitter. Criteria: GeneDx Variant Classification Process June 2021. Collection method: clinical testing. Allele origin: germline. Affected: yes.
Comment: In silico analysis supports that this missense variant has a deleterious effect on protein structure/function; Has not been previously published as pathogenic or benign to our knowledge; Not observed at significant frequency in large population cohorts (gnomAD)

New York Genome Center
Classification: Uncertain significance for Developmental and epileptic encephalopathy, 27. Last evaluated: 2020-01-31. Review status: criteria provided, single submitter. Criteria: NYGC Assertion Criteria 2020. Collection method: clinical testing. Allele origin: inherited. Observed: 1 heterozygote. Study: CSER-NYCKidSeq.
Comment: The c.2639G>A, p.Arg880His missense variant in the GRIN2B gene has not been reported in the available literature. The variant is absentin the gnomAD database, indicating this is a rare allele. In silico tools predict conflicting evidence of pathogenicity. Based on the available evidence,the c.2639G>A, p.Arg880His variant in the GRIN2B gene is classified as a variant of uncertain significance.

NM_000834.5(GRIN2B):c.2639G>A (p.Arg880His)

Gene: GRIN2B (glutamate ionotropic receptor NMDA type subunit 2B; minus strand). Cytogenetic location: 12p13.1.
Variant type: single nucleotide variant.
Coding change: c.2639G>A on transcript NM_000834.5 (MANE Select); coding-DNA position 2639, G replaced by A.
Protein change: p.Arg880His; replaces arginine 880 with histidine.
Molecular consequence: missense variant.
Genome position (GRCh38, 1-based): chr12:13,564,599, C>T on the plus strand (G>A on the coding strand, the complement: GRIN2B is on the minus strand). VCF-style: chr12-13564599-C-T. GRCh37 (hg19) VCF-style: chr12-13717533-C-T.
Other names: short protein forms R880H.
Identifiers: ClinVar variation 983359 (VCV000983359.10), dbSNP rs904771425, ClinGen allele CA233134547.
Genomic context (GRCh38, chr12:13,564,599, plus strand): 5'-CGCAGGATGTTGGAGTGTGTGTTGTTCATGGTTGCGGTGGGGGAGTTCATTACAGACTGG[C>T]GCTCCTCGATCGCCACCCCATGGATGCAGCTGTAGATACCCTGAAGCAAGAATGGAGGGA-3'
Protein context (NP_000825.2, residues 870-890): SCIHGVAIEE[Arg880His]QSVMNSPTAT